The following is an entry in ClinVar:

ClinVar aggregate classification (germline): Uncertain significance (1 of 4 stars; one submission).

Submission:

Labcorp Genetics (formerly Invitae), Labcorp
Classification: Uncertain significance. Last evaluated: 2026-02-02. Review status: criteria provided, single submitter. Criteria: Invitae Variant Classification Sherloc (09022015). Collection method: clinical testing. Allele origin: germline.
Comment: This variant, c.2909_2920del, results in the deletion of 4 amino acid(s) of the BRD4 protein (p.Leu970_Gln973del), but otherwise preserves the integrity of the reading frame. This variant is present in population databases (no rsID available, gnomAD 0.03%). This variant has not been reported in the literature in individuals affected with BRD4-related conditions. Experimental studies and prediction algorithms are not available or were not evaluated, and the functional significance of this variant is currently unknown. In summary, the available evidence is currently insufficient to determine the role of this variant in disease. Therefore, it has been classified as a Variant of Uncertain Significance.

NM_001379291.1(BRD4):c.2897TGCAGCAGCAGC[1] (p.Leu970_Gln973del)

Gene: BRD4 (bromodomain containing 4; minus strand). Cytogenetic location: 19p13.12.
Variant type: Microsatellite.
Coding change: c.2897TGCAGCAGCAGC[1] on transcript NM_001379291.1 (MANE Select); one copy of the 12-base unit TGCAGCAGCAGC starting at c.2897; the reference has two copies in a row; one copy, 12 bases deleted.
Protein change: p.Leu970_Gln973del.
Molecular consequence: inframe deletion.
Genome position (GRCh38, 1-based): chr19:15,243,149-15,243,160, GCTGCTGCTGCA deleted on the plus strand (TGCAGCAGCAGC on the coding strand, the reverse complement: BRD4 is on the minus strand); deleting any 12 consecutive bases within chr19:15,243,149-15,243,172 gives the same sequence; the position shown is the placement nearest the transcript's 3' end. VCF-style (leftmost placement, unchanged base first): chr19-15243148-GGCTGCTGCTGCA-G. GRCh37 (hg19) VCF-style: chr19-15353959-GGCTGCTGCTGCA-G.
Other names: c.2897TGCAGCAGCAGC[1], p.Leu970_Gln973del (NM_058243.3).
Identifiers: ClinVar variation 2077947 (VCV002077947.4), dbSNP rs987111459, ClinGen allele CA305788974.